The following is an entry in ClinVar:

ClinVar aggregate classification (germline): Likely pathogenic (1 of 4 stars; one submission).

Conditions:
Cerebral cavernous malformation 3. Also called: Familial Cerebral Cavernous Malformation 3. Identifiers: Orphanet 221061, MedGen C1864040, MONDO:0011305, OMIM 603285.

Submission:

Labcorp Genetics (formerly Invitae), Labcorp
Classification: Likely pathogenic for Cerebral cavernous malformation 3. Last evaluated: 2020-08-07. Review status: criteria provided, single submitter. Criteria: Invitae Variant Classification Sherloc (09022015). Collection method: clinical testing. Allele origin: germline.
Comment: In summary, the currently available evidence indicates that the variant is pathogenic, but additional data are needed to prove that conclusively. Therefore, this variant has been classified as Likely Pathogenic. This variant disrupts a region of the protein in which other variant(s) (p.Leu44Pro) have been observed in individuals with PDCD10-related conditions (PMID: 25122144). This suggests that this may be a clinically significant region of the PDCD10 protein. This variant has been observed in individual(s) with cerebral cavernous malformations (Invitae). This variant is an in-frame deletion of the genomic region encompassing exon(s) 3 of the PDCD10 gene. It preserves the integrity of the reading frame.

Literature cited by the submitters: PubMed 25122144.

NC_000003.11:g.(?_167422610)_(167422703_?)del

Gene: PDCD10 (programmed cell death 10; minus strand). Cytogenetic location: 3q26.1.
Variant type: Deletion.
Identifiers: ClinVar variation 1068009 (VCV001068009.7).